The following is an entry in ClinVar:

ClinVar aggregate classification (germline): Uncertain significance (1 of 4 stars; one submission).

Submission:

GeneDx
Classification: Uncertain significance. Last evaluated: 2022-06-28. Review status: criteria provided, single submitter. Criteria: GeneDx Variant Classification Process June 2021. Collection method: clinical testing. Allele origin: germline. Affected: yes.
Comment: Not observed at significant frequency in large population cohorts (gnomAD); In silico analysis supports that this missense variant has a deleterious effect on protein structure/function; Has not been previously published as pathogenic or benign to our knowledge

NM_006516.4(SLC2A1):c.425T>G (p.Met142Arg)

Gene: SLC2A1 (solute carrier family 2 member 1; minus strand). Cytogenetic location: 1p34.2.
Variant type: single nucleotide variant.
Coding change: c.425T>G on transcript NM_006516.4 (MANE Select); coding-DNA position 425, T replaced by G.
Protein change: p.Met142Arg; replaces methionine 142 with arginine.
Molecular consequence: missense variant.
Genome position (GRCh38, 1-based): chr1:42,930,717, A>C on the plus strand (T>G on the coding strand, the complement: SLC2A1 is on the minus strand). VCF-style: chr1-42930717-A-C. GRCh37 (hg19) VCF-style: chr1-43396388-A-C.
Other names: short protein forms M142R.
Identifiers: ClinVar variation 1809891 (VCV001809891.1), dbSNP rs2524997670, ClinGen allele CA339960735.